The following is an entry in ClinVar:

NM_005271.5(GLUD1):c.37C>T (p.Arg13Trp)

Genes: GLUD1 (glutamate dehydrogenase 1; minus strand), SHLD2 (shieldin complex subunit 2; plus strand), LOC130004255 (ATAC-STARR-seq lymphoblastoid silent region 2577; plus strand). Cytogenetic location: 10q23.2.
Variant type: single nucleotide variant.
Coding change: c.37C>T on transcript NM_005271.5 (MANE Select); coding-DNA position 37, C replaced by T.
Protein change: p.Arg13Trp; replaces arginine 13 with tryptophan.
Molecular consequence: missense variant. On other transcripts: 5 prime UTR variant (3).
Genome position (GRCh38, 1-based): chr10:87,094,733, G>A on the plus strand (C>T on the coding strand, the complement: GLUD1 is on the minus strand). VCF-style: chr10-87094733-G-A. GRCh37 (hg19) VCF-style: chr10-88854490-G-A.
Other names: c.37C>T (NM_005271.4); c.-692C>T (NM_001318904.2); c.-818C>T (NM_001318905.2); c.-525C>T (NM_001318906.2); short protein forms R13W.
Identifiers: ClinVar variation 2037106 (VCV002037106.5), dbSNP rs1350521839, ClinGen allele CA377458358.
Genomic context (GRCh38, chr10:87,094,733, plus strand): 5'-CCCAGCCCAGCAACGCGGCCGAGTCGGCGGACGCCGAGCCCAGGGCAGCGGGCCCGGCCC[G>A]GGACAGCAACAGCGCTTCGCCCAGGTAGCGGTACATGGCCACAAGCGGAGGGGAGGTGCG-3'
Protein context (NP_005262.1, residues 3-23): RYLGEALLLS[Arg13Trp]AGPAALGSAS

ClinVar aggregate classification (germline): Uncertain significance. Review status: criteria provided, multiple submitters, no conflicts (2 of 4 stars). 2 submissions from 2 submitters: Uncertain significance (2). Last evaluated 2025-11-10.

Conditions:
GLUD1-related disorder. Also called: GLUD1-related condition.
Hyperinsulinism-hyperammonemia syndrome (HHF6). Identifiers: Orphanet 35878, MedGen C1847555, MONDO:0011717, OMIM 606762.

Allele frequency attached by ClinVar (database versions not stated): gnomAD 0.00001.

Submissions (2):

PreventionGenetics, part of Exact Sciences
Classification: Uncertain significance for GLUD1-related condition. Last evaluated: 2025-11-10. Review status: criteria provided, single submitter. Criteria: ACMG Guidelines, 2015. Collection method: clinical testing. Allele origin: germline.
Comment: The GLUD1 c.37C>T variant is predicted to result in the amino acid substitution p.Arg13Trp. To our knowledge, this variant has not been reported in the literature. This variant is reported in 0.012% of alleles in individuals of African descent in gnomAD. At this time, the clinical significance of this variant is uncertain due to the absence of conclusive functional and genetic evidence.

Labcorp Genetics (formerly Invitae), Labcorp
Classification: Uncertain significance for Hyperinsulinism-hyperammonemia syndrome. Last evaluated: 2023-06-29. Review status: criteria provided, single submitter. Criteria: Invitae Variant Classification Sherloc (09022015). Collection method: clinical testing. Allele origin: germline.
Comment: This variant is present in population databases (no rsID available, gnomAD 0.01%). This sequence change replaces arginine, which is basic and polar, with tryptophan, which is neutral and slightly polar, at codon 13 of the GLUD1 protein (p.Arg13Trp). This variant has not been reported in the literature in individuals affected with GLUD1-related conditions. In summary, the available evidence is currently insufficient to determine the role of this variant in disease. Therefore, it has been classified as a Variant of Uncertain Significance. Experimental studies and prediction algorithms are not available or were not evaluated, and the functional significance of this variant is currently unknown. ClinVar contains an entry for this variant (Variation ID: 2037106).